The following is an entry in ClinVar:

ClinVar aggregate classification (germline): Uncertain significance (1 of 4 stars; one submission).

Conditions:
Malignant hyperthermia, susceptibility to, 5 (MHS5). Also called: CACNA1S-Related Malignant Hyperthermia Susceptibility. Identifiers: Orphanet 423, MedGen C1866077, MONDO:0011163, OMIM 601887.

Submission:

All of Us Research Program, National Institutes of Health
Classification: Uncertain significance for Malignant hyperthermia, susceptibility to, 5. Last evaluated: 2023-11-02. Review status: criteria provided, single submitter. Criteria: ACMG Guidelines, 2015. Collection method: clinical testing. Allele origin: germline. Inheritance: Autosomal dominant inheritance. Observed: 1 variant allele, 1 heterozygote.
Comment: This variant results in a deletion of 13 nucleotides from intron 14 acceptor site and 2 nucleotides from exon 15 of the CACNA1S gene. To our knowledge, functional studies have not been reported for this variant. This variant has not been reported in individuals affected with CACNA1S-related disorders in the literature. This variant has been identified in 1/251486 chromosomes in the general population by the Genome Aggregation Database (gnomAD). The available evidence is insufficient to determine the role of this variant in disease conclusively. Therefore, this variant is classified as a Variant of Uncertain Significance.

This study involves interpretation of variants in research participants for the purpose of population health screening. Participant phenotype was not available at the time of variant classification. Additional details can be found in publication PMID: 35346344, PMCID: PMC8962531

NM_000069.3(CACNA1S):c.2064-13_2065del

Gene: CACNA1S (calcium voltage-gated channel subunit alpha1 S; minus strand). Cytogenetic location: 1q32.1.
Variant type: Deletion.
Coding change: c.2064-13_2065del on transcript NM_000069.3 (MANE Select); 13 bases into the intron before coding-DNA position 2064 through coding-DNA position 2065, 15 bases deleted (TTTTCTAACTCAGGG).
Molecular consequence: splice acceptor variant.
Genome position (GRCh38, 1-based): chr1:201,073,641-201,073,655, CCCTGAGTTAGAAAA deleted on the plus strand (TTTTCTAACTCAGGG on the coding strand, the reverse complement: CACNA1S is on the minus strand); deleting any 15 consecutive bases within chr1:201,073,641-201,073,658 gives the same sequence; the c. name uses the placement nearest the transcript's 3' end. VCF-style (leftmost placement, unchanged base first): chr1-201073640-CCCCTGAGTTAGAAAA-C. GRCh37 (hg19) VCF-style: chr1-201042768-CCCCTGAGTTAGAAAA-C.
Identifiers: ClinVar variation 3074370 (VCV003074370.1), dbSNP rs1558069699, ClinGen allele CA528305319.